The following is an entry in ClinVar:

ClinVar aggregate classification (germline): Uncertain significance (0 of 4 stars; one submission).

Conditions:
PLXNA3-related disorder. Also called: PLXNA3-related condition.

gnomAD v4.1: 1 of 1,212,350 alleles (0.000082%); highest among the groups gnomAD compares: Non-Finnish European, 0.00011%; no homozygotes.

Submission:

PreventionGenetics, part of Exact Sciences
Classification: Uncertain significance for PLXNA3-related condition. Last evaluated: 2023-10-20. Review status: no assertion criteria provided. Collection method: clinical testing. Allele origin: germline.
Comment: The PLXNA3 c.779C>G variant is predicted to result in the amino acid substitution p.Ser260Cys. To our knowledge, this variant has not been reported in the literature or in a large population database, indicating this variant is rare. At this time, the clinical significance of this variant is uncertain due to the absence of conclusive functional and genetic evidence.

NM_017514.5(PLXNA3):c.779C>G (p.Ser260Cys)

Gene: PLXNA3 (plexin A3; plus strand). Cytogenetic location: Xq28.
Variant type: single nucleotide variant.
Coding change: c.779C>G on transcript NM_017514.5 (MANE Select); coding-DNA position 779, C replaced by G.
Protein change: p.Ser260Cys; replaces serine 260 with cysteine.
Molecular consequence: missense variant.
Genome position (GRCh38, 1-based): chrX:154,461,283, C>G. VCF-style: chrX-154461283-C-G. GRCh37 (hg19) VCF-style: chrX-153689623-C-G.
Other names: short protein forms S260C.
Identifiers: ClinVar variation 3348376 (VCV003348376.1).